The following is an entry in ClinVar:

ClinVar aggregate classification (germline): Uncertain significance (1 of 4 stars; one submission).

Conditions:
Breast-ovarian cancer, familial, susceptibility to, 4. Identifiers: Orphanet 145, MedGen C3280345, MONDO:0013669, OMIM 614291.

Submission:

Labcorp Genetics (formerly Invitae), Labcorp
Classification: Uncertain significance for Breast-ovarian cancer, familial, susceptibility to, 4. Last evaluated: 2015-12-11. Review status: criteria provided, single submitter. Criteria: Invitae Variant Classification Sherloc (09022015). Collection method: clinical testing. Allele origin: germline.
Comment: This sequence change replaces glycine with valine at codon 285 of the RAD51D protein (p.Gly285Val). The glycine residue is weakly conserved and there is a moderate physicochemical difference between glycine and valine. This variant is not present in population databases (ExAC no frequency) and has not been reported in the literature in individuals with a RAD51D-related disease. Algorithms developed to predict the effect of missense changes on protein structure and function (SIFT, PolyPhen-2, Align-GVGD) all suggest that this variant is likely to be tolerated, but these predictions have not been confirmed by published functional studies. In summary, this is a novel missense change that is not predicted to affect protein function or cause disease. However the evidence is insufficient at this time to prove that conclusively. It has been classified as a Variant of Uncertain Significance.

NM_002878.4(RAD51D):c.854G>T (p.Gly285Val)

Genes: RAD51L3-RFFL (RAD51L3-RFFL readthrough; minus strand), RAD51D (RAD51 paralog D; minus strand). Cytogenetic location: 17q12.
Variant type: single nucleotide variant.
Coding change: c.854G>T on transcript NM_002878.4 (MANE Select); coding-DNA position 854, G replaced by T.
Protein change: p.Gly285Val; replaces glycine 285 with valine.
Molecular consequence: missense variant. On other transcripts: non-coding transcript variant (3).
Genome position (GRCh38, 1-based): chr17:35,101,250, C>A on the plus strand (G>T on the coding strand, the complement: RAD51D is on the minus strand). VCF-style: chr17-35101250-C-A. GRCh37 (hg19) VCF-style: chr17-33428269-C-A.
Other names: c.914G>T, p.Gly305Val (NM_001142571.2); c.518G>T, p.Gly173Val (NM_133629.3); short protein forms G285V, G305V, G173V.
Identifiers: ClinVar variation 239404 (VCV000239404.5), dbSNP rs878854565, ClinGen allele CA10583532.
Genomic context (GRCh38, chr17:35,101,250, plus strand): 5'-GGCTGGCTCACCTGTCGGGAAGATTTGGCCAGACACGCCATGCGCCGGCCGCCTGATGCT[C>A]CTGCTCCCTCGATGGTGTCCAGGAGAATCCGAGTGCTGGGCACAAAGCTCCAGGAGCGTC-3'
Protein context (NP_002869.3, residues 275-295): RILLDTIEGA[Gly285Val]ASGGRRMACL